The following is an entry in ClinVar:

NM_001401501.2(MUC16):c.39833-7C>T

Gene: MUC16 (mucin 16, cell surface associated; minus strand). Cytogenetic location: 19p13.2.
Variant type: single nucleotide variant.
Coding change: c.39833-7C>T on transcript NM_001401501.2 (MANE Select); 7 bases into the intron before coding-DNA position 39833, C replaced by T.
Molecular consequence: intron variant.
Genome position (GRCh38, 1-based): chr19:8,895,742, G>A on the plus strand (C>T on the coding strand, the complement: MUC16 is on the minus strand). VCF-style: chr19-8895742-G-A. GRCh37 (hg19) VCF-style: chr19-9006418-G-A.
Other names: c.40259-7C>T (NM_001414686.1); c.39713-7C>T (NM_001414687.1); c.39607-7C>T (NM_024690.2).
Identifiers: ClinVar variation 3056528 (VCV003056528.2), dbSNP rs201532862, ClinGen allele CA9163930.

ClinVar aggregate classification (germline): Likely benign (0 of 4 stars; one submission).

Conditions:
MUC16-related disorder. Also called: MUC16-related condition.

Allele frequency attached by ClinVar (database versions not stated): 1000 Genomes Project 30x 0.07730; ExAC 0.15225.

Submission:

PreventionGenetics, part of Exact Sciences
Classification: Likely benign for MUC16-related condition. Last evaluated: 2019-11-27. Review status: no assertion criteria provided. Collection method: clinical testing. Allele origin: germline.
Comment: This variant is classified as likely benign based on ACMG/AMP sequence variant interpretation guidelines (Richards et al. 2015 PMID: 25741868, with internal and published modifications).